The following is an entry in ClinVar:

NM_001195553.2(DCX):c.955A>G (p.Thr319Ala)

Gene: DCX (doublecortin; minus strand). Cytogenetic location: Xq23.
Variant type: single nucleotide variant.
Coding change: c.955A>G on transcript NM_001195553.2 (MANE Select); coding-DNA position 955, A replaced by G.
Protein change: p.Thr319Ala; replaces threonine 319 with alanine.
Molecular consequence: missense variant. On other transcripts: intron variant (2).
Genome position (GRCh38, 1-based): chrX:111,312,728, T>C on the plus strand (A>G on the coding strand, the complement: DCX is on the minus strand). VCF-style: chrX-111312728-T-C. GRCh37 (hg19) VCF-style: chrX-110555956-T-C.
Other names: c.1183A>G, p.Thr395Ala (NM_000555.3); c.955A>G, p.Thr319Ala (NM_001369370.1, NM_001369371.1, NM_178152.3); c.940A>G, p.Thr314Ala (NM_001369372.1, NM_178151.3, NM_178153.3); c.932-10985A>G (NM_001369373.1, NM_001369374.1); short protein forms T314A, T319A, T395A.
Identifiers: ClinVar variation 1697086 (VCV001697086.2), dbSNP rs2147595104, ClinGen allele CA414238255.

ClinVar aggregate classification (germline): Uncertain significance (1 of 4 stars; one submission).

Submission:

GeneDx
Classification: Uncertain significance. Last evaluated: 2022-01-13. Review status: criteria provided, single submitter. Criteria: GeneDx Variant Classification Process June 2021. Collection method: clinical testing. Allele origin: germline. Affected: yes.
Comment: Not observed at significant frequency in large population cohorts (gnomAD); In silico analysis supports that this missense variant does not alter protein structure/function; Has not been previously published as pathogenic or benign to our knowledge